The following is an entry in ClinVar:

NM_002693.3(POLG):c.1548G>T (p.Glu516Asp)

Gene: POLG (DNA polymerase gamma, catalytic subunit; minus strand). Cytogenetic location: 15q26.1.
Variant type: single nucleotide variant.
Coding change: c.1548G>T on transcript NM_002693.3 (MANE Select); coding-DNA position 1548, G replaced by T.
Protein change: p.Glu516Asp; replaces glutamic acid 516 with aspartic acid.
Molecular consequence: missense variant.
Genome position (GRCh38, 1-based): chr15:89,326,949, C>A on the plus strand (G>T on the coding strand, the complement: POLG is on the minus strand). VCF-style: chr15-89326949-C-A. GRCh37 (hg19) VCF-style: chr15-89870180-C-A.
Other names: c.1548G>T, p.Glu516Asp (NM_001126131.2); short protein forms E516D.
Identifiers: ClinVar variation 3702747 (VCV003702747.3).
Genomic context (GRCh38, chr15:89,326,949, plus strand): 5'-TACCTCCCACCCATGCTCCCCACCTTCCTGATCCATGGGATCACCAGGGGCCCCAGCCCC[C>A]TCGATGGGCAACTTGCTGGCTGTGGCTGGTTCCTTCTTCACCTTCTTAGCTTTCTTCTGC-3'
Protein context (NP_002684.1, residues 506-526): EPATASKLPI[Glu516Asp]GAGAPGDPMD

ClinVar aggregate classification (germline): Uncertain significance. Review status: criteria provided, multiple submitters, no conflicts (2 of 4 stars). 2 submissions from 2 submitters: Uncertain significance (2). Last evaluated 2026-06-09.

Conditions:
Progressive sclerosing poliodystrophy (MTDPS4A). Also called: ALPERS PROGRESSIVE INFANTILE POLIODYSTROPHY; Mitochondrial DNA Depletion Syndrome 4A; Alpers-Huttenlocher Syndrome (AHS); NEURONAL DEGENERATION OF CHILDHOOD WITH LIVER DISEASE, PROGRESSIVE; Alpers Syndrome; ALPERS DIFFUSE DEGENERATION OF CEREBRAL GRAY MATTER WITH HEPATIC CIRRHOSIS. Identifiers: Orphanet 726, MedGen C0205710, MONDO:0008758, OMIM 203700.
Inborn genetic diseases. Identifiers: MedGen C0950123, MeSH D030342.

gnomAD v4.1: 1 of 1,614,214 alleles (0.000062%); highest among the groups gnomAD compares: Admixed American, 0.0017%; no homozygotes.

Submissions (2):

Ambry Genetics
Classification: Uncertain significance for Inborn genetic diseases. Last evaluated: 2026-06-09. Review status: criteria provided, single submitter. Criteria: Ambry Variant Classification Scheme 2023. Collection method: clinical testing. Allele origin: germline.

Labcorp Genetics (formerly Invitae), Labcorp
Classification: Uncertain significance for Progressive sclerosing poliodystrophy. Last evaluated: 2024-08-08. Review status: criteria provided, single submitter. Criteria: Invitae Variant Classification Sherloc (09022015). Collection method: clinical testing. Allele origin: germline.
Comment: This sequence change replaces glutamic acid, which is acidic and polar, with aspartic acid, which is acidic and polar, at codon 516 of the POLG protein (p.Glu516Asp). This variant is present in population databases (no rsID available, gnomAD 0.003%). This variant has not been reported in the literature in individuals affected with POLG-related conditions. Advanced modeling of protein sequence and biophysical properties (such as structural, functional, and spatial information, amino acid conservation, physicochemical variation, residue mobility, and thermodynamic stability) performed at Invitae indicates that this missense variant is not expected to disrupt POLG protein function with a negative predictive value of 95%. In summary, the available evidence is currently insufficient to determine the role of this variant in disease. Therefore, it has been classified as a Variant of Uncertain Significance.